The following is an entry in ClinVar:

NM_004656.4(BAP1):c.519_520insA (p.Val174fs)

Gene: BAP1 (BRCA1 associated deubiquitinase 1; minus strand). Cytogenetic location: 3p21.1.
Variant type: Insertion.
Coding change: c.519_520insA on transcript NM_004656.4 (MANE Select); coding-DNA positions 519 to 520, A inserted.
Protein change: p.Val174fs; shifts the reading frame from valine 174.
Molecular consequence: frameshift variant.
Genome position: GRCh38 VCF-style: chr3-52407234-C-CT. GRCh37 (hg19) VCF-style: chr3-52441250-C-CT.
Other names: short protein forms V174fs.
Identifiers: ClinVar variation 825526 (VCV000825526.4), dbSNP rs1578226444, ClinGen allele CA915942501.

ClinVar aggregate classification (germline): Pathogenic (1 of 4 stars; one submission).

Conditions:
Hereditary cancer-predisposing syndrome. Also called: Neoplastic Syndromes, Hereditary; Tumor predisposition; Hereditary neoplastic syndrome; Hereditary Cancer Syndrome. Identifiers: Orphanet 140162, MedGen C0027672, MeSH D009386, MONDO:0015356.

Submission:

Ambry Genetics
Classification: Pathogenic for Hereditary cancer-predisposing syndrome. Last evaluated: 2022-08-02. Review status: criteria provided, single submitter. Criteria: Ambry Variant Classification Scheme 2023. Collection method: clinical testing. Allele origin: germline.
Comment: The c.519_520insA pathogenic mutation, located in coding exon 7 of the BAP1 gene, results from an insertion of one nucleotide at position 519, causing a translational frameshift with a predicted alternate stop codon (p.V174Sfs*9). This alteration is expected to result in loss of function by premature protein truncation or nonsense-mediated mRNA decay. As such, this alteration is interpreted as a disease-causing mutation.